The following is an entry in ClinVar:

ClinVar aggregate classification (germline): Uncertain significance (1 of 4 stars; one submission).

Conditions:
Familial hypocalciuric hypercalcemia (FHH). Also called: Familial benign hypercalcemia. Identifiers: Orphanet 405, MedGen C1809471, MONDO:0018458.
Autosomal dominant hypocalcemia 1 (HYPOC1). Also called: HYPOCALCEMIA, FAMILIAL. Identifiers: MedGen C3715128, MONDO:0011013, OMIM 601198.

Submission:

Labcorp Genetics (formerly Invitae), Labcorp
Classification: Uncertain significance for Familial hypocalciuric hypercalcemia; Autosomal dominant hypocalcemia 1. Last evaluated: 2025-08-17. Review status: criteria provided, single submitter. Criteria: Invitae Variant Classification Sherloc (09022015). Collection method: clinical testing. Allele origin: germline.
Comment: This sequence change replaces phenylalanine, which is neutral and non-polar, with valine, which is neutral and non-polar, at codon 522 of the CASR protein (p.Phe522Val). This variant is not present in population databases (gnomAD no frequency). This variant has not been reported in the literature in individuals affected with CASR-related conditions. ClinVar contains an entry for this variant (Variation ID: 1443896). An algorithm developed to predict the effect of missense changes on protein structure and function (PolyPhen-2) suggests that this variant is likely to be tolerated. In summary, the available evidence is currently insufficient to determine the role of this variant in disease. Therefore, it has been classified as a Variant of Uncertain Significance.

NM_000388.4(CASR):c.1564T>G (p.Phe522Val)

Gene: CASR (calcium sensing receptor; plus strand). Cytogenetic location: 3q21.1.
Variant type: single nucleotide variant.
Coding change: c.1564T>G on transcript NM_000388.4 (MANE Select); coding-DNA position 1564, T replaced by G.
Protein change: p.Phe522Val; replaces phenylalanine 522 with valine.
Molecular consequence: missense variant.
Genome position (GRCh38, 1-based): chr3:122,275,998, T>G. VCF-style: chr3-122275998-T-G. GRCh37 (hg19) VCF-style: chr3-121994845-T-G.
Other names: c.1564T>G, p.Phe522Val (NM_001178065.2); short protein forms F522V.
Identifiers: ClinVar variation 1443896 (VCV001443896.6), dbSNP rs746054548, ClinGen allele CA354155445.